The following is an entry in ClinVar:

NM_033026.6(PCLO):c.6428A>T (p.Asp2143Val)

Gene: PCLO (piccolo presynaptic cytomatrix protein; minus strand). Cytogenetic location: 7q21.11.
Variant type: single nucleotide variant.
Coding change: c.6428A>T on transcript NM_033026.6 (MANE Select); coding-DNA position 6428, A replaced by T.
Protein change: p.Asp2143Val; replaces aspartic acid 2143 with valine.
Molecular consequence: missense variant.
Genome position (GRCh38, 1-based): chr7:82,954,525, T>A on the plus strand (A>T on the coding strand, the complement: PCLO is on the minus strand). VCF-style: chr7-82954525-T-A. GRCh37 (hg19) VCF-style: chr7-82583841-T-A.
Other names: c.6428A>T, p.Asp2143Val (NM_014510.3); short protein forms D2143V.
Identifiers: ClinVar variation 1492388 (VCV001492388.7), dbSNP rs377359668, ClinGen allele CA4320474.

ClinVar aggregate classification (germline): Uncertain significance (1 of 4 stars; one submission).

Allele frequency attached by ClinVar (database versions not stated): gnomAD exomes 0.00001; ExAC 0.00002; gnomAD 0.00005 and 0.00006; TOPMed 0.00006; ESP Exome Variant Server 0.00008.
gnomAD v4.1: 10 of 1,613,830 alleles (0.00062%); highest among the groups gnomAD compares: African/African-American, 0.012%; no homozygotes.

Submission:

Labcorp Genetics (formerly Invitae), Labcorp
Classification: Uncertain significance. Last evaluated: 2024-02-24. Review status: criteria provided, single submitter. Criteria: Invitae Variant Classification Sherloc (09022015). Collection method: clinical testing. Allele origin: germline.
Comment: This sequence change replaces aspartic acid, which is acidic and polar, with valine, which is neutral and non-polar, at codon 2143 of the PCLO protein (p.Asp2143Val). This variant is present in population databases (rs377359668, gnomAD 0.02%). This variant has not been reported in the literature in individuals affected with PCLO-related conditions. ClinVar contains an entry for this variant (Variation ID: 1492388). Experimental studies and prediction algorithms are not available or were not evaluated, and the functional significance of this variant is currently unknown. In summary, the available evidence is currently insufficient to determine the role of this variant in disease. Therefore, it has been classified as a Variant of Uncertain Significance.